The following is an entry in ClinVar:

NM_003072.5(SMARCA4):c.1950A>G (p.Glu650=)

Gene: SMARCA4 (SWI/SNF related BAF chromatin remodeling complex subunit ATPase 4; plus strand). Cytogenetic location: 19p13.2.
Variant type: single nucleotide variant.
Coding change: c.1950A>G on transcript NM_003072.5 (MANE Select); coding-DNA position 1950, A replaced by G.
Protein change: p.Glu650=; no amino-acid change (glutamic acid 650 retained).
Molecular consequence: synonymous variant. On other transcripts: non-coding transcript variant (1).
Genome position (GRCh38, 1-based): chr19:11,003,346, A>G. VCF-style: chr19-11003346-A-G. GRCh37 (hg19) VCF-style: chr19-11114022-A-G.
Other names: c.1950A>G, p.Glu650= (NM_001128844.3, NM_001128845.2, NM_001128846.2 and 4 more transcripts).
Identifiers: ClinVar variation 820353 (VCV000820353.36), dbSNP rs1052555853, ClinGen allele CA305256688.

ClinVar aggregate classification (germline): Likely benign. Review status: criteria provided, multiple submitters, no conflicts (2 of 4 stars). 3 submissions from 3 submitters: Likely benign (3). Last evaluated 2025-10-01.

Conditions:
Rhabdoid tumor predisposition syndrome 2 (RTPS2). Identifiers: Orphanet 231108, Orphanet 69077, MedGen C2750074, MONDO:0013224, OMIM 613325.
Hereditary cancer-predisposing syndrome. Also called: Tumor predisposition; Hereditary neoplastic syndrome; Neoplastic Syndromes, Hereditary; Hereditary Cancer Syndrome. Identifiers: Orphanet 140162, MedGen C0027672, MeSH D009386, MONDO:0015356.

Submissions (3):

Labcorp Genetics (formerly Invitae), Labcorp
Classification: Likely benign for Rhabdoid tumor predisposition syndrome 2. Last evaluated: 2025-10-01. Review status: criteria provided, single submitter. Criteria: Invitae Variant Classification Sherloc (09022015). Collection method: clinical testing. Allele origin: germline.

CeGaT Center for Human Genetics Tuebingen
Classification: Likely benign. Last evaluated: 2025-06-01. Review status: criteria provided, single submitter. Criteria: CeGaT Center For Human Genetics Tuebingen Variant Classification Criteria Version 2. Collection method: clinical testing. Allele origin: germline. Affected: yes. Observed: 2 variant alleles.
Comment: SMARCA4: PM2:Supporting, BP4, BP7

Ambry Genetics
Classification: Likely benign for Hereditary cancer-predisposing syndrome. Last evaluated: 2019-11-07. Review status: criteria provided, single submitter. Criteria: Ambry Variant Classification Scheme 2023. Collection method: clinical testing. Allele origin: germline.